The following is an entry in ClinVar:

ClinVar aggregate classification (germline): Uncertain significance (1 of 4 stars; one submission).

Allele frequency attached by ClinVar (database versions not stated): gnomAD 0.00001; TOPMed 0.00001; ExAC 0.00002; gnomAD exomes 0.00002; ESP Exome Variant Server 0.00008.
gnomAD v4.1: 26 of 1,609,212 alleles (0.0016%); highest among the groups gnomAD compares: African/African-American, 0.004%; no homozygotes.

Submission:

Labcorp Genetics (formerly Invitae), Labcorp
Classification: Uncertain significance. Last evaluated: 2025-05-04. Review status: criteria provided, single submitter. Criteria: Invitae Variant Classification Sherloc (09022015). Collection method: clinical testing. Allele origin: germline.
Comment: This sequence change replaces arginine, which is basic and polar, with tryptophan, which is neutral and slightly polar, at codon 546 of the DDX58 protein (p.Arg546Trp). The frequency data for this variant in the population databases is considered unreliable, as metrics indicate poor data quality at this position in the gnomAD database. This variant has not been reported in the literature in individuals affected with DDX58-related conditions. ClinVar contains an entry for this variant (Variation ID: 1921316). An algorithm developed to predict the effect of missense changes on protein structure and function outputs the following: PolyPhen-2: "Benign". The tryptophan amino acid residue is found in multiple mammalian species, which suggests that this missense change does not adversely affect protein function. Algorithms developed to predict the effect of sequence changes on RNA splicing suggest that this variant may disrupt the consensus splice site. In summary, the available evidence is currently insufficient to determine the role of this variant in disease. Therefore, it has been classified as a Variant of Uncertain Significance.

NM_014314.4(RIGI):c.1636C>T (p.Arg546Trp)

Gene: RIGI (RNA sensor RIG-I; minus strand). Cytogenetic location: 9p21.1.
Variant type: single nucleotide variant.
Coding change: c.1636C>T on transcript NM_014314.4 (MANE Select); coding-DNA position 1636, C replaced by T.
Protein change: p.Arg546Trp; replaces arginine 546 with tryptophan.
Molecular consequence: missense variant.
Genome position (GRCh38, 1-based): chr9:32,481,342, G>A on the plus strand (C>T on the coding strand, the complement: RIGI is on the minus strand). VCF-style: chr9-32481342-G-A. GRCh37 (hg19) VCF-style: chr9-32481340-G-A.
Other names: c.1630C>T, p.Arg544Trp (NM_001385907.1); c.1636C>T, p.Arg546Trp (NM_001385909.1); c.1195C>T, p.Arg399Trp (NM_001385910.1); c.1027C>T, p.Arg343Trp (NM_001385912.1); c.1621C>T, p.Arg541Trp (NM_001385913.1); c.1192C>T, p.Arg398Trp (NM_001385914.1); short protein forms R541W, R399W, R398W, R546W, R343W, R544W.
Identifiers: ClinVar variation 1921316 (VCV001921316.5), dbSNP rs377702259, ClinGen allele CA5019744.